The following is an entry in ClinVar:

NM_004369.4(COL6A3):c.4010C>G (p.Pro1337Arg)

Gene: COL6A3 (collagen type VI alpha 3 chain; minus strand). Cytogenetic location: 2q37.3.
Variant type: single nucleotide variant.
Coding change: c.4010C>G on transcript NM_004369.4 (MANE Select); coding-DNA position 4010, C replaced by G.
Protein change: p.Pro1337Arg; replaces proline 1337 with arginine.
Molecular consequence: missense variant.
Genome position (GRCh38, 1-based): chr2:237,372,007, G>C on the plus strand (C>G on the coding strand, the complement: COL6A3 is on the minus strand). VCF-style: chr2-237372007-G-C. GRCh37 (hg19) VCF-style: chr2-238280650-G-C.
Other names: c.2789C>G, p.Pro930Arg (NM_057164.5); c.3392C>G, p.Pro1131Arg (NM_057165.5, NM_057167.4); c.2189C>G, p.Pro730Arg (NM_057166.5); short protein forms P1131R, P1337R, P730R, P930R.
Identifiers: ClinVar variation 2637496 (VCV002637496.1), dbSNP rs777023618, ClinGen allele CA351197456.

ClinVar aggregate classification (germline): Uncertain significance (1 of 4 stars; one submission).

gnomAD v4.1: 4 of 1,614,098 alleles (0.00025%); highest among the groups gnomAD compares: Non-Finnish European, 0.00034%; no homozygotes.

Submission:

Women's Health and Genetics/Laboratory Corporation of America, LabCorp
Classification: Uncertain significance. Last evaluated: 2023-10-26. Review status: criteria provided, single submitter. Criteria: LabCorp Variant Classification Summary - May 2015. Collection method: clinical testing. Allele origin: germline.
Comment: Variant summary: COL6A3 c.4010C>G (p.Pro1337Arg) results in a non-conservative amino acid change located in the von Willebrand factor, type A domain (IPR002035) of the encoded protein sequence. Five of five in-silico tools predict a damaging effect of the variant on protein function. The variant was absent in 250756 control chromosomes (gnomAD). The available data on variant occurrences in the general population are insufficient to allow any conclusion about variant significance. To our knowledge, no occurrence of c.4010C>G in individuals affected with Ullrich Congenital Muscular Dystrophy 1 and no experimental evidence demonstrating its impact on protein function have been reported. No submitters have cited clinical-significance assessments for this variant to ClinVar after 2014. Based on the evidence outlined above, the variant was classified as uncertain significance.